The following is an entry in ClinVar:

ClinVar aggregate classification (germline): Uncertain significance (1 of 4 stars; one submission).

Submission:

CeGaT Center for Human Genetics Tuebingen
Classification: Uncertain significance. Last evaluated: 2026-03-01. Review status: criteria provided, single submitter. Criteria: CeGaT Center For Human Genetics Tuebingen Variant Classification Criteria Version 2. Collection method: clinical testing. Allele origin: germline. Affected: yes. Observed: 1 variant allele.
Comment: CHD5: PM2, BP4

NM_015557.3(CHD5):c.4802G>C (p.Arg1601Thr)

Gene: CHD5 (chromodomain helicase DNA binding protein 5; minus strand). Cytogenetic location: 1p36.31.
Variant type: single nucleotide variant.
Coding change: c.4802G>C on transcript NM_015557.3 (MANE Select); coding-DNA position 4802, G replaced by C.
Protein change: p.Arg1601Thr; replaces arginine 1601 with threonine.
Molecular consequence: missense variant.
Genome position (GRCh38, 1-based): chr1:6,121,215, C>G on the plus strand (G>C on the coding strand, the complement: CHD5 is on the minus strand). VCF-style: chr1-6121215-C-G. GRCh37 (hg19) VCF-style: chr1-6181275-C-G.
Other names: short protein forms R1601T.
Identifiers: ClinVar variation 4823535 (VCV004823535.4).